The following is an entry in ClinVar:

NM_001034853.2(RPGR):c.2695G>T (p.Glu899Ter)

Gene: RPGR (retinitis pigmentosa GTPase regulator; minus strand). Cytogenetic location: Xp11.4.
Variant type: single nucleotide variant.
Coding change: c.2695G>T on transcript NM_001034853.2 (MANE Select); coding-DNA position 2695, G replaced by T.
Protein change: p.Glu899Ter; replaces glutamic acid 899 with a stop codon.
Molecular consequence: nonsense. On other transcripts: intron variant (8).
Genome position (GRCh38, 1-based): chrX:38,286,304, C>A on the plus strand (G>T on the coding strand, the complement: RPGR is on the minus strand). VCF-style: chrX-38286304-C-A. GRCh37 (hg19) VCF-style: chrX-38145557-C-A.
Other names: NM_001034853.2(RPGR):c.2695G>T; p.Glu899Ter; c.1569+4655G>T (NM_001367249.1, NM_001367250.1); c.1902+790G>T (NM_001367245.1); c.1386+4655G>T (NM_001367251.1); c.1719+790G>T (NM_001367246.1); c.1572+4655G>T (NM_001367247.1); c.1905+790G>T (NM_000328.3); and 1 more; short protein forms E899*.
Identifiers: ClinVar variation 866316 (VCV000866316.10), dbSNP rs2067161139, ClinGen allele CA412730005.
Genomic context (GRCh38, chrX:38,286,304, plus strand): 5'-CTTCTCCTTCCTCCTCTTCTCCCTCCCCTTCTCCTTCCTCTTCTCCCTCCCCTTCTCCTT[C>A]CTCCTCTTCTCCCTCCCCTTCTCCTTCCTCTTCTCCCTCCCCTTCTCCTTCCTCCTCTTC-3'

ClinVar aggregate classification (germline): Pathogenic. Review status: reviewed by expert panel (3 of 4 stars). 5 submissions from 4 submitters: Pathogenic (1). 4 of the submissions do not count toward it. Last evaluated 2025-09-05.

Conditions:
Primary ciliary dyskinesia. Also called: Ciliary dyskinesia. Identifiers: Orphanet 244, MedGen C0008780, MONDO:0016575, HP:0012265.
Retinitis pigmentosa 3. Also called: CHOROIDORETINAL DEGENERATION WITH RETINAL REFLEX IN HETEROZYGOUS WOMEN. Identifiers: Orphanet 791, MedGen C1845667, MONDO:0010227, OMIM 300029.
RPGR-related retinopathy. Also called: RPGR retinopathy. Identifiers: MedGen CN305589, MONDO:0100437.
Retinal dystrophy. Also called: Inherited retinal dystrophy. Identifiers: Orphanet 71862, MedGen C0854723, MeSH D058499, MONDO:0019118, HP:0000556.

Submissions (5):

ClinGen X-linked Inherited Retinal Disease Variant Curation Expert Panel, ClinGen
Classification: Pathogenic for RPGR-related retinopathy. Last evaluated: 2025-09-05. Review status: reviewed by expert panel. Criteria: ClinGen X LinkedIRD ACMG Specifications RPGR V1.0.0. Collection method: curation. Allele origin: germline. Inheritance: X-linked inheritance.
Comment: NM_001034853.2(RPGR):c.2695G>T (p.Glu899Ter) is a nonsense variant that introduces a premature stop in codon 899 within exon 15 of 15 that is predicted to disrupt a critical C-terminal region required for proper glutamylation of RPGR (PVS1, PMID: 36445968). This variant is absent from gnomAD v4.1.0 (PM2_Supporting). At least one proband harboring this variant exhibits a phenotype including presentation with night blindness (0.5 pts) with onset at age 4 years (1 pt), reduced visual acuity (0.5 pts), decreased electroretinogram responses from rods, mild macular degeneration, pigment deposits (0.5 pts), and genotyping by next-generation sequencing with a 483-gene panel showing no alternative basis for inherited retinal disease (2 pts), which together are specific for RPGR-related retinopathy (4.5 points, PMID: 36276946, PP4). In summary, this variant is classified as pathogenic for RPGR-related retinopathy based on the ClinGen X-linked Inherited Retinal Disease Expert Panel Specifications to the ACMG/AMP Variant Interpretation Guidelines for RPGR Version 1.0.0; PVS1, PM2_Supporting, and PP4.

Labcorp Genetics (formerly Invitae), Labcorp
Classification: Pathogenic for Primary ciliary dyskinesia. Last evaluated: 2025-09-22. Review status: criteria provided, single submitter. Criteria: Invitae Variant Classification Sherloc (09022015). Collection method: clinical testing. Allele origin: germline. Not counted in ClinVar's aggregate classification.
Comment: This sequence change creates a premature translational stop signal (p.Glu899*) in the RPGR (ORF15) gene. While this is not anticipated to result in nonsense mediated decay, it is expected to disrupt the last 254 amino acid(s) of the RPGR (ORF15) protein. This variant is not present in population databases (gnomAD no frequency). This premature translational stop signal has been observed in individual(s) with retinitis pigmentosa (PMID: 30029497). ClinVar contains an entry for this variant (Variation ID: 866316). This variant disrupts a region of the RPGR (ORF15) protein in which other variant(s) (p.Leu1130Lysfs*13) have been determined to be pathogenic (PMID: 22264887; internal data). This suggests that this is a clinically significant region of the protein, and that variants that disrupt it are likely to be disease-causing. For these reasons, this variant has been classified as Pathogenic.

Blueprint Genetics
Classification: Pathogenic for Retinal dystrophy. Last evaluated: 2019-03-14. Review status: criteria provided, single submitter. Criteria: Blueprint Genetics Variant Classification Scheme. Collection method: clinical testing. Allele origin: germline. Affected: yes. Not counted in ClinVar's aggregate classification.

PreventionGenetics, part of Exact Sciences
Classification: Likely pathogenic. Last evaluated: 2017-03-03. Review status: criteria provided, single submitter. Criteria: ACMG Guidelines, 2015. Collection method: clinical testing. Allele origin: germline. Not counted in ClinVar's aggregate classification.

Blueprint Genetics
Classification: Pathogenic for Retinitis pigmentosa 3. Review status: no assertion criteria provided. Collection method: clinical testing. Allele origin: germline. Affected: yes. Not counted in ClinVar's aggregate classification.

Literature cited by the submitters: PubMed 30029497 (cited by Labcorp Genetics (formerly Invitae), Labcorp); PubMed 22264887 (cited by Labcorp Genetics (formerly Invitae), Labcorp).